The following is an entry in ClinVar:

ClinVar aggregate classification (germline): Conflicting classifications of pathogenicity. Review status: criteria provided, conflicting classifications (1 of 4 stars). 3 submissions from 3 submitters: Uncertain significance (2); Likely benign (1). Last evaluated 2021-06-22.

Conditions:
Cardiovascular phenotype. Identifiers: MedGen CN230736.
Cardiac arrhythmia, ankyrin-B-related. Also called: ANKYRIN-B SYNDROME. Identifiers: Orphanet 101016, Orphanet 768, MedGen C1970119, MONDO:0010958, OMIM 600919.
Long QT syndrome (LQTS). Identifiers: MedGen C0023976, MeSH D008133, MONDO:0002442. Disease mechanism: loss of function. Inheritance: Various modes of inheritance.

Allele frequency attached by ClinVar (database versions not stated): TOPMed below 0.00001; ExAC 0.00001; gnomAD 0.00001 and 0.00002; gnomAD exomes 0.00001; 1000 Genomes Project 30x 0.00031; 1000 Genomes Project 0.00040.
gnomAD v4.1: 14 of 1,614,250 alleles (0.00087%); highest among the groups gnomAD compares: Middle Eastern, 0.016%; no homozygotes.

Submissions (3):

Ambry Genetics
Classification: Uncertain significance for Cardiovascular phenotype. Last evaluated: 2021-06-22. Review status: criteria provided, single submitter. Criteria: Ambry Variant Classification Scheme 2023. Collection method: clinical testing. Allele origin: germline.
Comment: The p.T1113A variant (also known as c.3337A>G), located in coding exon 29 of the ANK2 gene, results from an A to G substitution at nucleotide position 3337. The threonine at codon 1113 is replaced by alanine, an amino acid with similar properties. This amino acid position is conserved. In addition, the in silico prediction for this alteration is inconclusive. Since supporting evidence is limited at this time, the clinical significance of this alteration remains unclear.

Labcorp Genetics (formerly Invitae), Labcorp
Classification: Uncertain significance for Long QT syndrome. Last evaluated: 2019-10-28. Review status: criteria provided, single submitter. Criteria: Invitae Variant Classification Sherloc (09022015). Collection method: clinical testing. Allele origin: germline.
Comment: In summary, the available evidence is currently insufficient to determine the role of this variant in disease. Therefore, it has been classified as a Variant of Uncertain Significance. Algorithms developed to predict the effect of missense changes on protein structure and function are either unavailable or do not agree on the potential impact of this missense change (SIFT: "Deleterious"; PolyPhen-2: "Probably Damaging"; Align-GVGD: "Class C0"). This variant has not been reported in the literature in individuals with ANK2-related conditions. This variant is present in population databases (rs150841275, ExAC 0.001%). This sequence change replaces threonine with alanine at codon 1113 of the ANK2 protein (p.Thr1113Ala). The threonine residue is highly conserved and there is a small physicochemical difference between threonine and alanine.

Illumina Laboratory Services, Illumina
Classification: Likely benign for Cardiac arrhythmia, ankyrin-B-related. Last evaluated: 2018-01-12. Review status: criteria provided, single submitter. Criteria: ICSL Variant Classification Criteria 13 December 2019. Collection method: clinical testing. Allele origin: germline.
Comment: This variant was observed in the ICSL laboratory as part of a predisposition screen in an ostensibly healthy population. It had not been previously curated by ICSL or reported in the Human Gene Mutation Database (HGMD: prior to June 1st, 2018), and was therefore a candidate for classification through an automated scoring system. Utilizing variant allele frequency, disease prevalence and penetrance estimates, and inheritance mode, an automated score was calculated to assess if this variant is too frequent to cause the disease. Based on the score and internal cut-off values, a variant classified as likely benign is not then subjected to further curation. The score for this variant resulted in a classification of likely benign for this disease.

NM_001148.6(ANK2):c.3337A>G (p.Thr1113Ala)

Gene: ANK2 (ankyrin 2; plus strand). Cytogenetic location: 4q26.
Variant type: single nucleotide variant.
Coding change: c.3337A>G on transcript NM_001148.6 (MANE Select); coding-DNA position 3337, A replaced by G.
Protein change: p.Thr1113Ala; replaces threonine 1113 with alanine.
Molecular consequence: missense variant.
Genome position (GRCh38, 1-based): chr4:113,333,166, A>G. VCF-style: chr4-113333166-A-G. GRCh37 (hg19) VCF-style: chr4-114254322-A-G.
Other names: c.3310A>G, p.Thr1104Ala (NM_001127493.3); c.3349A>G, p.Thr1117Ala (NM_001354225.2); c.3238A>G, p.Thr1080Ala (NM_001354228.2, NM_001354258.2); c.3316A>G, p.Thr1106Ala (NM_001354230.2); c.3379A>G, p.Thr1127Ala (NM_001354231.2, NM_001354242.2); c.3373A>G, p.Thr1125Ala (NM_001354232.2); c.3334A>G, p.Thr1112Ala (NM_001354235.2, NM_001354246.2, NM_001354265.2); c.3235A>G, p.Thr1079Ala (NM_001354236.2); and 28 more; short protein forms T1013A, T1047A, T1104A, T1106A, T1125A, T985A, T1018A, T1026A.
Identifiers: ClinVar variation 902852 (VCV000902852.12), dbSNP rs150841275, ClinGen allele CA3050821.